The following is an entry in ClinVar:

ClinVar aggregate classification (germline): Uncertain significance (1 of 4 stars; one submission).

Conditions:
Kabuki syndrome. Also called: Kabuki make-up syndrome; NIIKAWA-KUROKI SYNDROME. Identifiers: Orphanet 2322, MedGen C0796004, MONDO:0016512.

gnomAD v4.1: 10 of 1,613,930 alleles (0.00062%); highest among the groups gnomAD compares: Non-Finnish European, 0.00085%; no homozygotes.

Submission:

Labcorp Genetics (formerly Invitae), Labcorp
Classification: Uncertain significance for Kabuki syndrome. Last evaluated: 2024-03-01. Review status: criteria provided, single submitter. Criteria: Invitae Variant Classification Sherloc (09022015). Collection method: clinical testing. Allele origin: germline.
Comment: This sequence change replaces glutamine, which is neutral and polar, with histidine, which is basic and polar, at codon 2665 of the KMT2D protein (p.Gln2665His). This variant is not present in population databases (gnomAD no frequency). This variant has not been reported in the literature in individuals affected with KMT2D-related conditions. Advanced modeling of protein sequence and biophysical properties (such as structural, functional, and spatial information, amino acid conservation, physicochemical variation, residue mobility, and thermodynamic stability) performed at Invitae indicates that this missense variant is not expected to disrupt KMT2D protein function with a negative predictive value of 95%. In summary, the available evidence is currently insufficient to determine the role of this variant in disease. Therefore, it has been classified as a Variant of Uncertain Significance.

NM_003482.4(KMT2D):c.7995G>C (p.Gln2665His)

Gene: KMT2D (lysine methyltransferase 2D; minus strand). Cytogenetic location: 12q13.12.
Variant type: single nucleotide variant.
Coding change: c.7995G>C on transcript NM_003482.4 (MANE Select); coding-DNA position 7995, G replaced by C.
Protein change: p.Gln2665His; replaces glutamine 2665 with histidine.
Molecular consequence: missense variant.
Genome position (GRCh38, 1-based): chr12:49,039,775, C>G on the plus strand (G>C on the coding strand, the complement: KMT2D is on the minus strand). VCF-style: chr12-49039775-C-G. GRCh37 (hg19) VCF-style: chr12-49433558-C-G.
Other names: short protein forms Q2665H.
Identifiers: ClinVar variation 3702406 (VCV003702406.2).